The following is an entry in ClinVar:

NM_000051.4(ATM):c.5776A>G (p.Thr1926Ala)

Genes: C11orf65 (chromosome 11 open reading frame 65; minus strand), ATM (ATM serine/threonine kinase; plus strand). Cytogenetic location: 11q22.3.
Variant type: single nucleotide variant.
Coding change: c.5776A>G on transcript NM_000051.4 (MANE Select); coding-DNA position 5776, A replaced by G.
Protein change: p.Thr1926Ala; replaces threonine 1926 with alanine.
Molecular consequence: missense variant. On other transcripts: intron variant (2).
Genome position (GRCh38, 1-based): chr11:108,310,173, A>G. VCF-style: chr11-108310173-A-G. GRCh37 (hg19) VCF-style: chr11-108180900-A-G.
Other names: c.5776A>G (NM_000051.2); c.5776A>G, p.Thr1926Ala (NM_001351834.2); c.641-1102T>C (NM_001330368.2); c.*39-1102T>C (NM_001351110.2); short protein forms T1926A.
Identifiers: ClinVar variation 236743 (VCV000236743.31), dbSNP rs781448339, ClinGen allele CA6265785.

ClinVar aggregate classification (germline): Uncertain significance. Review status: criteria provided, multiple submitters, no conflicts (2 of 4 stars). 6 submissions from 6 submitters: Uncertain significance (5). 1 of the submissions does not count toward it. Last evaluated 2025-09-27.

Conditions:
Hereditary cancer-predisposing syndrome. Also called: Neoplastic Syndromes, Hereditary; Hereditary neoplastic syndrome; Tumor predisposition; Hereditary Cancer Syndrome. Identifiers: Orphanet 140162, MedGen C0027672, MeSH D009386, MONDO:0015356.
Ataxia-telangiectasia syndrome (AT). Also called: Ataxia telangiectasia (A-T); Cerebello-oculocutaneous telangiectasia; Immunodeficiency with ataxia telangiectasia; LOUIS-BAR SYNDROME; AT, COMPLEMENTATION GROUP C; ATAXIA-TELANGIECTASIA, FRESNO VARIANT. Identifiers: Orphanet 100, MedGen C0004135, MONDO:0008840, OMIM 208900.
Familial cancer of breast. Also called: hereditary breast carcinoma; Hereditary breast cancer; BREAST CANCER, FAMILIAL. Identifiers: Orphanet 227535, MedGen C0346153, MONDO:0016419, OMIM 114480. Disease mechanism: loss of function.

Allele frequency attached by ClinVar (database versions not stated): gnomAD exomes 0.00001 and below 0.00001; TOPMed below 0.00001; ExAC 0.00001; gnomAD 0.00001.
gnomAD v4.1: 4 of 1,613,372 alleles (0.00025%); highest among the groups gnomAD compares: Non-Finnish European, 0.00034%; no homozygotes.

Submissions (6):

Ambry Genetics
Classification: Uncertain significance for Hereditary cancer-predisposing syndrome. Last evaluated: 2025-09-27. Review status: criteria provided, single submitter. Criteria: Ambry Variant Classification Scheme 2023. Collection method: clinical testing. Allele origin: germline.
Comment: The p.T1926A variant (also known as c.5776A>G), located in coding exon 38 of the ATM gene, results from an A to G substitution at nucleotide position 5776. The threonine at codon 1926 is replaced by alanine, an amino acid with similar properties. This variant was reported in 1/5560 prostate cancer cases and in 0/3353 controls of European ancestry (Karlsson Q et al. Eur Urol Oncol, 2021 Aug;4:570-579). This amino acid position is highly conserved in available vertebrate species. In addition, the in silico prediction for this alteration is inconclusive. Since supporting evidence is limited at this time, the clinical significance of this alteration remains unclear.

Institute of Immunology and Genetics Kaiserslautern
Classification: Uncertain significance for Familial cancer of breast. Last evaluated: 2025-07-30. Review status: criteria provided, single submitter. Criteria: ACMG Guidelines, 2015. Collection method: clinical testing. Allele origin: germline. Affected: yes.
Comment: ACMG Criteria: PM2_P ; Variant was found in heterozygous state.

Labcorp Genetics (formerly Invitae), Labcorp
Classification: Uncertain significance for Ataxia-telangiectasia syndrome. Last evaluated: 2025-02-26. Review status: criteria provided, single submitter. Criteria: Invitae Variant Classification Sherloc (09022015). Collection method: clinical testing. Allele origin: germline.
Comment: This sequence change replaces threonine, which is neutral and polar, with alanine, which is neutral and non-polar, at codon 1926 of the ATM protein (p.Thr1926Ala). This variant is present in population databases (rs781448339, gnomAD 0.0009%). This variant has not been reported in the literature in individuals affected with ATM-related conditions. ClinVar contains an entry for this variant (Variation ID: 236743). Invitae Evidence Modeling of protein sequence and biophysical properties (such as structural, functional, and spatial information, amino acid conservation, physicochemical variation, residue mobility, and thermodynamic stability) has been performed for this missense variant. However, the output from this modeling did not meet the statistical confidence thresholds required to predict the impact of this variant on ATM protein function. In summary, the available evidence is currently insufficient to determine the role of this variant in disease. Therefore, it has been classified as a Variant of Uncertain Significance.

Department of Pathology and Laboratory Medicine, Sinai Health System
Classification: Uncertain significance for Familial cancer of breast. Last evaluated: 2022-07-26. Review status: criteria provided, single submitter. Criteria: ACMG Guidelines, 2015. Collection method: clinical testing. Allele origin: germline. Affected: yes.

Color Diagnostics, LLC DBA Color Health
Classification: Uncertain significance for Hereditary cancer-predisposing syndrome. Last evaluated: 2019-11-22. Review status: criteria provided, single submitter. Criteria: ACMG Guidelines, 2015. Collection method: clinical testing. Allele origin: germline.
Comment: This missense variant replaces threonine with alanine at codon 1926 of the ATM protein. Computational prediction is inconclusive regarding the impact of this variant on protein structure and function (internally defined REVEL score threshold 0.5 < inconclusive < 0.7, PMID: 27666373). Splice site prediction tools suggest that this variant may not impact RNA splicing. To our knowledge, functional studies have not been performed for this variant. This variant has not been reported in individuals affected with hereditary cancer in the literature. This variant has been identified in 1/250846 chromosomes in the general population by the Genome Aggregation Database (gnomAD). The available evidence is insufficient to determine the role of this variant in disease conclusively. Therefore, this variant is classified as a Variant of Uncertain Significance.

Natera, Inc.
Classification: Uncertain significance for Ataxia-telangiectasia. Last evaluated: 2021-05-17. Review status: no assertion criteria provided. Collection method: clinical testing. Allele origin: germline. Not counted in ClinVar's aggregate classification.

Literature cited by the submitters: PubMed 33436325 (cited by Ambry Genetics).